The following is an entry in ClinVar:

ClinVar aggregate classification (germline): Uncertain significance (1 of 4 stars; one submission).

Conditions:
Hereditary breast ovarian cancer syndrome. Also called: BRCA1- and BRCA2-Associated Hereditary Breast and Ovarian Cancer; Breast and ovarian cancer; Hereditary breast and ovarian cancer; Hereditary breast and ovarian cancer syndrome (HBOC); Hereditary breast and ovarian cancer syndrome; Hereditary breast and/or ovarian cancer syndrome. Identifiers: Orphanet 145, MedGen C0677776, MeSH D061325, MONDO:0003582. Disease mechanism: loss of function.

Submission:

Labcorp Genetics (formerly Invitae), Labcorp
Classification: Uncertain significance for Hereditary breast ovarian cancer syndrome. Last evaluated: 2024-06-04. Review status: criteria provided, single submitter. Criteria: Invitae Variant Classification Sherloc (09022015). Collection method: clinical testing. Allele origin: germline.
Comment: This sequence change replaces lysine, which is basic and polar, with asparagine, which is neutral and polar, at codon 2013 of the BRCA2 protein (p.Lys2013Asn). This variant is not present in population databases (gnomAD no frequency). This variant has not been reported in the literature in individuals affected with BRCA2-related conditions. Advanced modeling of protein sequence and biophysical properties (such as structural, functional, and spatial information, amino acid conservation, physicochemical variation, residue mobility, and thermodynamic stability) performed at Invitae indicates that this missense variant is not expected to disrupt BRCA2 protein function with a negative predictive value of 95%. In summary, the available evidence is currently insufficient to determine the role of this variant in disease. Therefore, it has been classified as a Variant of Uncertain Significance.

NM_000059.4(BRCA2):c.6039A>C (p.Lys2013Asn)

Gene: BRCA2 (BRCA2 DNA repair associated; plus strand). Cytogenetic location: 13q13.1.
Variant type: single nucleotide variant.
Coding change: c.6039A>C on transcript NM_000059.4 (MANE Select); coding-DNA position 6039, A replaced by C.
Protein change: p.Lys2013Asn; replaces lysine 2013 with asparagine.
Molecular consequence: missense variant. On other transcripts: non-coding transcript variant (1), intron variant (2).
Genome position (GRCh38, 1-based): chr13:32,340,394, A>C. VCF-style: chr13-32340394-A-C. GRCh37 (hg19) VCF-style: chr13-32914531-A-C.
Other names: c.6039A>C, p.Lys2013Asn (NM_001406719.1, NM_001406720.1, NM_001432077.1); c.1910-4164A>C (NM_001406721.1); c.425-4164A>C (NM_001406722.1); short protein forms K2013N.
Identifiers: ClinVar variation 3696155 (VCV003696155.2).